The following is an entry in ClinVar:

NM_006059.4(LAMC3):c.1096C>T (p.Arg366Cys)

Gene: LAMC3 (laminin subunit gamma 3; plus strand). Cytogenetic location: 9q34.12.
Variant type: single nucleotide variant.
Coding change: c.1096C>T on transcript NM_006059.4 (MANE Select); coding-DNA position 1096, C replaced by T.
Protein change: p.Arg366Cys; replaces arginine 366 with cysteine.
Molecular consequence: missense variant.
Genome position (GRCh38, 1-based): chr9:131,038,983, C>T. VCF-style: chr9-131038983-C-T. GRCh37 (hg19) VCF-style: chr9-133914370-C-T.
Other names: short protein forms R366C.
Identifiers: ClinVar variation 1433876 (VCV001433876.9), dbSNP rs756209261, ClinGen allele CA200688912.

ClinVar aggregate classification (germline): Uncertain significance. Review status: criteria provided, multiple submitters, no conflicts (2 of 4 stars). 2 submissions from 2 submitters: Uncertain significance (2). Last evaluated 2026-03-01.

Allele frequency attached by ClinVar (database versions not stated): gnomAD 0.00002; gnomAD exomes 0.00002 and 0.00003; TOPMed 0.00003.
gnomAD v4.1: 46 of 1,613,440 alleles (0.0029%); highest among the groups gnomAD compares: Middle Eastern, 0.016%; no homozygotes.

Submissions (2):

CeGaT Center for Human Genetics Tuebingen
Classification: Uncertain significance. Last evaluated: 2026-03-01. Review status: criteria provided, single submitter. Criteria: CeGaT Center For Human Genetics Tuebingen Variant Classification Criteria Version 2. Collection method: clinical testing. Allele origin: germline. Affected: yes. Observed: 1 variant allele.
Comment: LAMC3: PM2:Supporting, BP4

Labcorp Genetics (formerly Invitae), Labcorp
Classification: Uncertain significance. Last evaluated: 2022-10-07. Review status: criteria provided, single submitter. Criteria: Invitae Variant Classification Sherloc (09022015). Collection method: clinical testing. Allele origin: germline.
Comment: This sequence change replaces arginine, which is basic and polar, with cysteine, which is neutral and slightly polar, at codon 366 of the LAMC3 protein (p.Arg366Cys). This variant is present in population databases (rs756209261, gnomAD 0.007%). This variant has not been reported in the literature in individuals affected with LAMC3-related conditions. ClinVar contains an entry for this variant (Variation ID: 1433876). Algorithms developed to predict the effect of missense changes on protein structure and function (SIFT, PolyPhen-2, Align-GVGD) all suggest that this variant is likely to be disruptive. In summary, the available evidence is currently insufficient to determine the role of this variant in disease. Therefore, it has been classified as a Variant of Uncertain Significance.